The following is an entry in ClinVar:

ClinVar aggregate classification (germline): Uncertain significance. Review status: criteria provided, multiple submitters, no conflicts (2 of 4 stars). 2 submissions from 2 submitters: Uncertain significance (2). Last evaluated 2025-11-12.

Conditions:
Inborn genetic diseases. Identifiers: MedGen C0950123, MeSH D030342.
Deafness-lymphedema-leukemia syndrome. Also called: Lymphedema, primary, with myelodysplasia; Emberger syndrome. Identifiers: Orphanet 3226, MedGen C3279664, MONDO:0013540, OMIM 614038.
Monocytopenia with susceptibility to infections. Also called: MONOCYTOPENIA AND MYCOBACTERIAL INFECTION SYNDROME; MONOCYTOPENIA WITH SUSCEPTIBILITY TO MYCOBACTERIAL, FUNGAL, AND PAPILLOMAVIRUS INFECTIONS AND MYELODYSPLASIA; COMBINED IMMUNODEFICIENCY WITH SUSCEPTIBILITY TO MYCOBACTERIAL, VIRAL, AND FUNGAL INFECTIONS; Dendritic cell, monocyte, B lymphocyte, and natural killer lymphocyte deficiency; IMMUNODEFICIENCY 21; GATA2 DEFICIENCY. Identifiers: Orphanet 228423, MedGen C3280030, MONDO:0013607, OMIM 614172.

Submissions (2):

Ambry Genetics
Classification: Uncertain significance for Inborn genetic diseases. Last evaluated: 2025-11-12. Review status: criteria provided, single submitter. Criteria: Ambry Variant Classification Scheme 2023. Collection method: clinical testing. Allele origin: germline.
Comment: The p.G81R variant (also known as c.241G>C), located in coding exon 2 of the GATA2 gene, results from a G to C substitution at nucleotide position 241. The glycine at codon 81 is replaced by arginine, an amino acid with dissimilar properties. This amino acid position is highly conserved in available vertebrate species. In addition, the in silico prediction for this alteration is inconclusive. Based on the available evidence, the clinical significance of this variant remains unclear.

Labcorp Genetics (formerly Invitae), Labcorp
Classification: Uncertain significance for Monocytopenia with susceptibility to infections; Deafness-lymphedema-leukemia syndrome. Last evaluated: 2024-10-30. Review status: criteria provided, single submitter. Criteria: Invitae Variant Classification Sherloc (09022015). Collection method: clinical testing. Allele origin: germline.
Comment: This sequence change replaces glycine, which is neutral and non-polar, with arginine, which is basic and polar, at codon 81 of the GATA2 protein (p.Gly81Arg). This variant is not present in population databases (gnomAD no frequency). This variant has not been reported in the literature in individuals affected with GATA2-related conditions. Invitae Evidence Modeling of protein sequence and biophysical properties (such as structural, functional, and spatial information, amino acid conservation, physicochemical variation, residue mobility, and thermodynamic stability) has been performed for this missense variant. However, the output from this modeling did not meet the statistical confidence thresholds required to predict the impact of this variant on GATA2 protein function. In summary, the available evidence is currently insufficient to determine the role of this variant in disease. Therefore, it has been classified as a Variant of Uncertain Significance.

NM_032638.5(GATA2):c.241G>C (p.Gly81Arg)

Gene: GATA2 (GATA binding protein 2; minus strand). Cytogenetic location: 3q21.3.
Variant type: single nucleotide variant.
Coding change: c.241G>C on transcript NM_032638.5 (MANE Select); coding-DNA position 241, G replaced by C.
Protein change: p.Gly81Arg; replaces glycine 81 with arginine.
Molecular consequence: missense variant.
Genome position (GRCh38, 1-based): chr3:128,486,357, C>G on the plus strand (G>C on the coding strand, the complement: GATA2 is on the minus strand). VCF-style: chr3-128486357-C-G. GRCh37 (hg19) VCF-style: chr3-128205200-C-G.
Other names: c.241G>C, p.Gly81Arg (NM_001145661.2, NM_001145662.1); short protein forms G81R.
Identifiers: ClinVar variation 3761830 (VCV003761830.3).